The following is an entry in ClinVar:

NM_002838.5(PTPRC):c.572C>T (p.Ala191Val)

Gene: PTPRC (protein tyrosine phosphatase receptor type C; plus strand). Cytogenetic location: 1q32.1.
Variant type: single nucleotide variant.
Coding change: c.572C>T on transcript NM_002838.5 (MANE Select); coding-DNA position 572, C replaced by T.
Protein change: p.Ala191Val; replaces alanine 191 with valine.
Molecular consequence: missense variant. On other transcripts: intron variant (1).
Genome position (GRCh38, 1-based): chr1:198,702,519, C>T. VCF-style: chr1-198702519-C-T. GRCh37 (hg19) VCF-style: chr1-198671648-C-T.
Other names: c.566C>T (NM_002838.3); c.101-779C>T (NM_080921.4); short protein forms A191V.
Identifiers: ClinVar variation 1063375 (VCV001063375.7), dbSNP rs1276140091, ClinGen allele CA344097684.

ClinVar aggregate classification (germline): Uncertain significance. Review status: criteria provided, multiple submitters, no conflicts (2 of 4 stars). 2 submissions from 2 submitters: Uncertain significance (2). Last evaluated 2025-04-01.

Conditions:
Inborn genetic diseases. Identifiers: MedGen C0950123, MeSH D030342.
Immunodeficiency 104. Also called: Severe combined immunodeficiency, autosomal recessive, T cell-negative, B cell-positive, NK cell-positive; IMMUNODEFICIENCY 104, SEVERE COMBINED; SCID, AUTOSOMAL RECESSIVE, T CELL-NEGATIVE, B CELL-POSITIVE, NK CELL-POSITIVE; Severe Combined Immune Deficiency, Autosomal Recessive, TCell -Negative, B Cell-Positive, NK Cell-Positive, IL7R-Related. Identifiers: MedGen C5676890, MONDO:0012163, OMIM 608971.

Allele frequency attached by ClinVar (database versions not stated): gnomAD 0.00001 and 0.00003; gnomAD exomes 0.00001; TOPMed 0.00004.
gnomAD v4.1: 23 of 1,614,056 alleles (0.0014%); highest among the groups gnomAD compares: African/African-American, 0.008%; no homozygotes.

Submissions (2):

Ambry Genetics
Classification: Uncertain significance for Inborn genetic diseases. Last evaluated: 2025-04-01. Review status: criteria provided, single submitter. Criteria: Ambry Variant Classification Scheme 2023. Collection method: clinical testing. Allele origin: germline.

Labcorp Genetics (formerly Invitae), Labcorp
Classification: Uncertain significance for Immunodeficiency 104. Last evaluated: 2022-08-16. Review status: criteria provided, single submitter. Criteria: Invitae Variant Classification Sherloc (09022015). Collection method: clinical testing. Allele origin: germline.
Comment: This sequence change replaces alanine, which is neutral and non-polar, with valine, which is neutral and non-polar, at codon 191 of the PTPRC protein (p.Ala191Val). This variant is present in population databases (no rsID available, gnomAD 0.007%). This variant has not been reported in the literature in individuals affected with PTPRC-related conditions. ClinVar contains an entry for this variant (Variation ID: 1063375). Algorithms developed to predict the effect of missense changes on protein structure and function output the following: SIFT: "Tolerated"; PolyPhen-2: "Benign"; Align-GVGD: "Class C0". The valine amino acid residue is found in multiple mammalian species, which suggests that this missense change does not adversely affect protein function. In summary, the available evidence is currently insufficient to determine the role of this variant in disease. Therefore, it has been classified as a Variant of Uncertain Significance.